The following is an entry in ClinVar:

NM_001243133.2(NLRP3):c.2424C>T (p.Leu808=)

Gene: NLRP3 (NLR family pyrin domain containing 3; plus strand). Cytogenetic location: 1q44.
Variant type: single nucleotide variant.
Coding change: c.2424C>T on transcript NM_001243133.2 (MANE Select); coding-DNA position 2424, C replaced by T.
Protein change: p.Leu808=; no amino-acid change (leucine 808 retained).
Molecular consequence: synonymous variant.
Genome position (GRCh38, 1-based): chr1:247,434,205, C>T. VCF-style: chr1-247434205-C-T. GRCh37 (hg19) VCF-style: chr1-247597507-C-T.
Other names: p.Leu810=; c.2424C>T, p.Leu808= (NM_001079821.3, NM_001127461.3); c.2253C>T, p.Leu751= (NM_001127462.3, NM_183395.3); c.2430C>T, p.Leu810= (NM_004895.5).
Identifiers: ClinVar variation 296952 (VCV000296952.39), dbSNP rs147154764, ClinGen allele CA1495236.

ClinVar aggregate classification (germline): Conflicting classifications of pathogenicity. Review status: criteria provided, conflicting classifications (1 of 4 stars). 11 submissions from 9 submitters: Uncertain significance (1); Benign (4); Likely benign (5). 1 of the submissions does not count toward it. Last evaluated 2026-01-24.

Conditions:
Cryopyrin associated periodic syndrome (CAPS). Identifiers: Orphanet 208650, MedGen C2316212, MONDO:0016168.
Autoinflammatory syndrome. Identifiers: Orphanet 93665, MedGen C3890737, MONDO:0019751.
NLRP3-related disorder. Also called: NLRP3-Related Disorders; NLRP3-related condition.
Chronic infantile neurological, cutaneous and articular syndrome (CINCA). Also called: CINCA syndrome; CRYOPYRIN-ASSOCIATED PERIODIC SYNDROME 3; CHRONIC NEUROLOGIC CUTANEOUS AND ARTICULAR SYNDROME; Prieur Griscelli syndrome. Identifiers: Orphanet 1451, MedGen C0409818, MONDO:0011776, OMIM 607115.
Familial amyloid nephropathy with urticaria AND deafness (MWS). Also called: UDA SYNDROME; URTICARIA-DEAFNESS-AMYLOIDOSIS SYNDROME; MUCKLE-WELLS SYNDROME; CRYOPYRIN-ASSOCIATED PERIODIC SYNDROME 2; Urticaria, deafness and amyloidosis. Identifiers: Orphanet 575, MedGen C0268390, MONDO:0008633, OMIM 191900.
Familial cold autoinflammatory syndrome 1 (FCAS1). Also called: CRYOPYRIN-ASSOCIATED PERIODIC SYNDROME 1; Familial cold inflammatory syndrome 1. Identifiers: Orphanet 47045, MedGen C4551895, MONDO:0007349, OMIM 120100.

Allele frequency attached by ClinVar (database versions not stated): gnomAD 0.00005; gnomAD exomes 0.00006 and 0.00008; ExAC 0.00008; TOPMed 0.00009; ESP Exome Variant Server 0.00015.
gnomAD v4.1: 137 of 1,614,246 alleles (0.0085%); highest among the groups gnomAD compares: Middle Eastern, 0.13%; 1 homozygote.

Submissions (11):

Labcorp Genetics (formerly Invitae), Labcorp
Classification: Likely benign for Cryopyrin associated periodic syndrome. Last evaluated: 2026-01-24. Review status: criteria provided, single submitter. Criteria: Invitae Variant Classification Sherloc (09022015). Collection method: clinical testing. Allele origin: germline.

Women's Health and Genetics/Laboratory Corporation of America, LabCorp
Classification: Benign. Last evaluated: 2025-06-05. Review status: criteria provided, single submitter. Criteria: LabCorp Variant Classification Summary - May 2015. Collection method: clinical testing. Allele origin: germline.
Comment: Variant summary: NLRP3 c.2430C>T results in a synonymous change. Consensus agreement among computation tools predict no significant impact on normal splicing. However, these predictions have yet to be confirmed by functional studies. The variant allele was found at a frequency of 6e-05 in 251462 control chromosomes. The observed variant frequency is approximately 95-fold of the estimated maximal expected allele frequency for a pathogenic variant in NLRP3 causing Cryopyrin Associated Periodic Syndrome phenotype (6.3e-07). To our knowledge, no occurrence of c.2430C>T in individuals affected with Cryopyrin Associated Periodic Syndrome and no experimental evidence demonstrating its impact on protein function have been reported. ClinVar contains an entry for this variant (Variation ID: 296952). Based on the evidence outlined above, the variant was classified as benign.

Mayo Clinic Laboratories, Mayo Clinic
Classification: Likely benign. Last evaluated: 2025-05-22. Review status: criteria provided, single submitter. Criteria: ACMG Guidelines, 2015. Collection method: clinical testing. Allele origin: germline. Observed: 1 variant allele.
Comment: BP4, BP7

CeGaT Center for Human Genetics Tuebingen
Classification: Likely benign. Last evaluated: 2025-02-01. Review status: criteria provided, single submitter. Criteria: CeGaT Center For Human Genetics Tuebingen Variant Classification Criteria Version 2. Collection method: clinical testing. Allele origin: germline. Affected: yes. Observed: 1 variant allele.
Comment: NLRP3: BP4, BP7

Blueprint Genetics
Classification: Likely benign. Last evaluated: 2024-11-12. Review status: criteria provided, single submitter. Criteria: ACMG Guidelines, 2015. Collection method: clinical testing. Allele origin: germline.

Genome Diagnostics Laboratory, The Hospital for Sick Children
Classification: Uncertain significance for Autoinflammatory syndrome. Last evaluated: 2022-01-18. Review status: criteria provided, single submitter. Criteria: ACMG Guidelines, 2015. Collection method: clinical testing. Allele origin: germline. Affected: yes.

GeneDx
Classification: Likely benign. Last evaluated: 2019-02-19. Review status: criteria provided, single submitter. Criteria: GeneDx Variant Classification Process June 2021. Collection method: clinical testing. Allele origin: germline. Affected: yes.

Illumina Laboratory Services, Illumina
Classification: Benign for Familial cold autoinflammatory syndrome 1. Last evaluated: 2018-01-12. Review status: criteria provided, single submitter. Criteria: ICSL Variant Classification Criteria 13 December 2019. Collection method: clinical testing. Allele origin: germline.
Comment: This variant was observed in the ICSL laboratory as part of a predisposition screen in an ostensibly healthy population. It had not been previously curated by ICSL or reported in the Human Gene Mutation Database (HGMD: prior to June 1st, 2018), and was therefore a candidate for classification through an automated scoring system. Utilizing variant allele frequency, disease prevalence and penetrance estimates, and inheritance mode, an automated score was calculated to assess if this variant is too frequent to cause the disease. Based on the score and internal cut-off values, a variant classified as benign is not then subjected to further curation. The score for this variant resulted in a classification of benign for this disease.

Illumina Laboratory Services, Illumina
Classification: Benign for Chronic infantile neurological, cutaneous and articular syndrome. Last evaluated: 2018-01-12. Review status: criteria provided, single submitter. Criteria: ICSL Variant Classification Criteria 13 December 2019. Collection method: clinical testing. Allele origin: germline.
Comment: the same text as in the submission from Illumina Laboratory Services, Illumina above.

Illumina Laboratory Services, Illumina
Classification: Benign for Familial amyloid nephropathy with urticaria AND deafness. Last evaluated: 2018-01-12. Review status: criteria provided, single submitter. Criteria: ICSL Variant Classification Criteria 13 December 2019. Collection method: clinical testing. Allele origin: germline.
Comment: the same text as in the submission from Illumina Laboratory Services, Illumina above.

PreventionGenetics, part of Exact Sciences
Classification: Likely benign for NLRP3-related condition. Last evaluated: 2024-05-15. Review status: no assertion criteria provided. Collection method: clinical testing. Allele origin: germline. Not counted in ClinVar's aggregate classification.
Comment: This variant is classified as likely benign based on ACMG/AMP sequence variant interpretation guidelines (Richards et al. 2015 PMID: 25741868, with internal and published modifications).